The following is an entry in ClinVar:

NM_032776.3(JMJD1C):c.929G>A (p.Arg310His)

Gene: JMJD1C (jumonji domain containing 1C; minus strand). Cytogenetic location: 10q21.3.
Variant type: single nucleotide variant.
Coding change: c.929G>A on transcript NM_032776.3 (MANE Select); coding-DNA position 929, G replaced by A.
Protein change: p.Arg310His; replaces arginine 310 with histidine.
Molecular consequence: missense variant. On other transcripts: non-coding transcript variant (1).
Genome position (GRCh38, 1-based): chr10:63,215,349, C>T on the plus strand (G>A on the coding strand, the complement: JMJD1C is on the minus strand). VCF-style: chr10-63215349-C-T. GRCh37 (hg19) VCF-style: chr10-64975109-C-T.
Other names: c.383G>A, p.Arg128His (NM_001282948.2, NM_001318154.2); c.65G>A, p.Arg22His (NM_001318153.2); c.815G>A, p.Arg272His (NM_001322252.2); c.272G>A, p.Arg91His (NM_001322254.2, NM_001322258.2); short protein forms R128H, R310H, R22H, R91H, R272H.
Identifiers: ClinVar variation 838797 (VCV000838797.7), dbSNP rs370533547, ClinGen allele CA5518915.

ClinVar aggregate classification (germline): Uncertain significance (1 of 4 stars; one submission).

Conditions:
Early Myoclonic Encephalopathy. Identifiers: MedGen C0270855.

Allele frequency attached by ClinVar (database versions not stated): TOPMed 0.00003; gnomAD 0.00003; gnomAD exomes 0.00005; ESP Exome Variant Server 0.00017; ExAC 0.00006.
gnomAD v4.1: 152 of 1,613,788 alleles (0.0094%); highest among the groups gnomAD compares: Non-Finnish European, 0.012%; no homozygotes.

Submission:

Labcorp Genetics (formerly Invitae), Labcorp
Classification: Uncertain significance for Early Myoclonic Encephalopathy. Last evaluated: 2025-09-10. Review status: criteria provided, single submitter. Criteria: Invitae Variant Classification Sherloc (09022015). Collection method: clinical testing. Allele origin: germline.
Comment: This sequence change replaces arginine, which is basic and polar, with histidine, which is basic and polar, at codon 310 of the JMJD1C protein (p.Arg310His). This variant is present in population databases (rs370533547, gnomAD 0.009%). This variant has not been reported in the literature in individuals affected with JMJD1C-related conditions. ClinVar contains an entry for this variant (Variation ID: 838797). An algorithm developed to predict the effect of missense changes on protein structure and function (PolyPhen-2) suggests that this variant is likely to be tolerated. In summary, the available evidence is currently insufficient to determine the role of this variant in disease. Therefore, it has been classified as a Variant of Uncertain Significance.